The following is an entry in ClinVar:

NM_002210.5(ITGAV):c.903+1G>C

Gene: ITGAV (integrin subunit alpha V; plus strand). Cytogenetic location: 2q32.1.
Variant type: single nucleotide variant.
Coding change: c.903+1G>C on transcript NM_002210.5 (MANE Select); the canonical splice donor site of the intron after coding-DNA position 903, G replaced by C.
Molecular consequence: splice donor variant.
Genome position (GRCh38, 1-based): chr2:186,638,466, G>C. VCF-style: chr2-186638466-G-C. GRCh37 (hg19) VCF-style: chr2-187503193-G-C.
Other names: c.795+1G>C (NM_001145000.3); c.765+1G>C (NM_001144999.3).
Identifiers: ClinVar variation 3256934 (VCV003256934.1).

ClinVar aggregate classification (germline): Likely pathogenic (1 of 4 stars; one submission).

Conditions:
Susceptibility to severe COVID-19.

Submission:

Molecular Medicine Center, Medical University of Sofia
Classification: Likely pathogenic for Susceptibility to severe COVID-19. Last evaluated: 2024-07-22. Review status: criteria provided, single submitter. Criteria: ACMG Guidelines, 2015. Collection method: research. Allele origin: germline. Affected: yes.
Comment: Novel (unreported in gnomAD or dbSNP until April 2024) variant found in severely infected COVID-19 Bulgarian patients in a research study. Variant is classified as likely pathogenic according to the ACMG criteria: PM2,PVS1.